The following is an entry in ClinVar:

NC_000003.11:g.(?_10127486)_(10140644_?)dup

Genes: FANCD2 (FA complementation group D2; plus strand), FANCD2OS (FANCD2 opposite strand; minus strand). Cytogenetic location: 3p25.3.
Variant type: Duplication.
Identifiers: ClinVar variation 584211 (VCV000584211.2).

ClinVar aggregate classification (germline): Uncertain significance (1 of 4 stars; one submission).

Conditions:
Fanconi anemia (FA). Also called: Fanconi's anemia. Identifiers: Orphanet 84, MedGen C0015625, MeSH D005199, MONDO:0019391.

Submission:

Labcorp Genetics (formerly Invitae), Labcorp
Classification: Uncertain significance for Fanconi anemia. Last evaluated: 2018-09-05. Review status: criteria provided, single submitter. Criteria: Invitae Variant Classification Sherloc (09022015). Collection method: clinical testing. Allele origin: germline.
Comment: This variant results in a copy number gain of the genomic region encompassing exons 33-43 of the FANCD2 gene. The 5' boundary is likely confined to intron 33. The 3' end of this event is unknown as it extends beyond the assayed region for this gene and therefore may encompass additional genes. As the precise location of this event is unknown, it may be in tandem or it may be located elsewhere in the genome. Similar gains have not been reported in the literature in individuals with FANCD2-related disease. In summary, the available evidence is currently insufficient to determine the role of this variant in disease. Therefore, it has been classified as a Variant of Uncertain Significance.